The following is an entry in ClinVar:

ClinVar aggregate classification (germline): Uncertain significance (1 of 4 stars; one submission).

Allele frequency attached by ClinVar (database versions not stated): TOPMed 0.00001.

Submission:

Labcorp Genetics (formerly Invitae), Labcorp
Classification: Uncertain significance. Last evaluated: 2022-03-08. Review status: criteria provided, single submitter. Criteria: Invitae Variant Classification Sherloc (09022015). Collection method: clinical testing. Allele origin: germline.
Comment: This variant has not been reported in the literature in individuals affected with AEBP1-related conditions. Algorithms developed to predict the effect of missense changes on protein structure and function are either unavailable or do not agree on the potential impact of this missense change (SIFT: "Deleterious"; PolyPhen-2: "Probably Damaging"; Align-GVGD: "Class C0"). Algorithms developed to predict the effect of sequence changes on RNA splicing suggest that this variant may create or strengthen a splice site. In summary, the available evidence is currently insufficient to determine the role of this variant in disease. Therefore, it has been classified as a Variant of Uncertain Significance. This variant is not present in population databases (gnomAD no frequency). This sequence change replaces glutamic acid, which is acidic and polar, with glycine, which is neutral and non-polar, at codon 950 of the AEBP1 protein (p.Glu950Gly).

NM_001129.5(AEBP1):c.2849A>G (p.Glu950Gly)

Gene: AEBP1 (AE binding protein 1; plus strand). Cytogenetic location: 7p13.
Variant type: single nucleotide variant.
Coding change: c.2849A>G on transcript NM_001129.5 (MANE Select); coding-DNA position 2849, A replaced by G.
Protein change: p.Glu950Gly; replaces glutamic acid 950 with glycine.
Molecular consequence: missense variant.
Genome position (GRCh38, 1-based): chr7:44,113,633, A>G. VCF-style: chr7-44113633-A-G. GRCh37 (hg19) VCF-style: chr7-44153232-A-G.
Other names: short protein forms E950G.
Identifiers: ClinVar variation 2092057 (VCV002092057.4), dbSNP rs898195560, ClinGen allele CA157883834.